The following is an entry in ClinVar:

NC_000012.12:g.(?_114401816)_(114401930_?)del

Gene: TBX5 (T-box transcription factor 5; minus strand). Cytogenetic location: 12q24.21.
Variant type: Deletion.
Identifiers: ClinVar variation 661191 (VCV000661191.6).

ClinVar aggregate classification (germline): Pathogenic (1 of 4 stars; one submission).

Conditions:
Aortic valve disease 2 (AOVD2). Identifiers: MedGen C3542024, MONDO:0013902, OMIM 614823.

Submission:

Labcorp Genetics (formerly Invitae), Labcorp
Classification: Pathogenic for Aortic valve disease 2. Last evaluated: 2019-08-23. Review status: criteria provided, single submitter. Criteria: Invitae Variant Classification Sherloc (09022015). Collection method: clinical testing. Allele origin: germline.
Comment: For these reasons, this variant has been classified as Pathogenic. Loss-of-function variants in TBX5 are known to be pathogenic (PMID: 16183809, 16917909). This variant has not been reported in the literature in individuals with TBX5-related disease. This variant is an out-of-frame deletion of the genomic region encompassing exon 3 of the TBX5 gene. This is expected to create a premature translational stop signal and result in an absent or disrupted protein product.

Literature cited by the submitters: PubMed 16183809; PubMed 16917909.